The following is an entry in ClinVar:

NM_000815.5(GABRD):c.751ATC[1] (p.Ile252del)

Gene: GABRD (gamma-aminobutyric acid type A receptor subunit delta; plus strand). Cytogenetic location: 1p36.33.
Variant type: Microsatellite.
Coding change: c.751ATC[1] on transcript NM_000815.5 (MANE Select); one copy of the 3-base unit ATC starting at c.751; the reference has two copies in a row; one copy, 3 bases deleted.
Protein change: p.Ile252del; deletes isoleucine 252.
Molecular consequence: inframe deletion.
Genome position (GRCh38, 1-based): chr1:2,029,173-2,029,175, ATC deleted; deleting any 3 consecutive bases within chr1:2,029,169-2,029,175 gives the same sequence; the position shown is the placement nearest the transcript's 3' end. VCF-style (leftmost placement, unchanged base first): chr1-2029168-ACAT-A. GRCh37 (hg19) VCF-style: chr1-1960607-ACAT-A.
Other names: short protein forms I252del.
Identifiers: ClinVar variation 1046050 (VCV001046050.9), dbSNP rs1201664324, ClinGen allele CA730229102.

ClinVar aggregate classification (germline): Uncertain significance (1 of 4 stars; one submission).

Conditions:
Idiopathic generalized epilepsy. Also called: Generalised epilepsy; EIG. Identifiers: MedGen C0270850, MONDO:0005579, OMIM 600669.

Submission:

Labcorp Genetics (formerly Invitae), Labcorp
Classification: Uncertain significance for Idiopathic generalized epilepsy. Last evaluated: 2024-05-29. Review status: criteria provided, single submitter. Criteria: Invitae Variant Classification Sherloc (09022015). Collection method: clinical testing. Allele origin: germline.
Comment: This variant, c.754_756del, results in the deletion of 1 amino acid(s) of the GABRD protein (p.Ile252del), but otherwise preserves the integrity of the reading frame. This variant is not present in population databases (gnomAD no frequency). This variant has not been reported in the literature in individuals affected with GABRD-related conditions. Experimental studies and prediction algorithms are not available or were not evaluated, and the functional significance of this variant is currently unknown. In summary, the available evidence is currently insufficient to determine the role of this variant in disease. Therefore, it has been classified as a Variant of Uncertain Significance.